The following is an entry in ClinVar:

NM_005475.3(SH2B3):c.165C>G (p.His55Gln)

Gene: SH2B3 (SH2B adaptor protein 3; plus strand). Cytogenetic location: 12q24.12.
Variant type: single nucleotide variant.
Coding change: c.165C>G on transcript NM_005475.3 (MANE Select); coding-DNA position 165, C replaced by G.
Protein change: p.His55Gln; replaces histidine 55 with glutamine.
Molecular consequence: missense variant.
Genome position (GRCh38, 1-based): chr12:111,418,310, C>G. VCF-style: chr12-111418310-C-G. GRCh37 (hg19) VCF-style: chr12-111856114-C-G.
Other names: short protein forms H55Q.
Identifiers: ClinVar variation 3440714 (VCV003440714.1).

ClinVar aggregate classification (germline): Uncertain significance (1 of 4 stars; one submission).

Conditions:
Inborn genetic diseases. Identifiers: MedGen C0950123, MeSH D030342.

gnomAD v4.1: 3 of 1,527,168 alleles (0.0002%); highest among the groups gnomAD compares: African/African-American, 0.0014%; no homozygotes.

Submission:

Ambry Genetics
Classification: Uncertain significance for Inborn genetic diseases. Last evaluated: 2024-10-04. Review status: criteria provided, single submitter. Criteria: Ambry Variant Classification Scheme 2023. Collection method: clinical testing. Allele origin: germline.
Comment: The p.H55Q variant (also known as c.165C>G), located in coding exon 1 of the SH2B3 gene, results from a C to G substitution at nucleotide position 165. The histidine at codon 55 is replaced by glutamine, an amino acid with highly similar properties. This amino acid position is conserved. In addition, this alteration is predicted to be tolerated by in silico analysis. Based on the available evidence, the clinical significance of this variant remains unclear.